The following is an entry in ClinVar:

ClinVar aggregate classification (germline): Pathogenic (1 of 4 stars; one submission).

Conditions:
Popliteal pterygium syndrome (PPS). Identifiers: Orphanet 294963, MedGen C0265259, MONDO:0017435.
Orofacial cleft 6, susceptibility to (OFC6). Also called: CLEFT LIP WITH OR WITHOUT CLEFT PALATE, NONSYNDROMIC, 6. Identifiers: MedGen C1837213, MONDO:0012141, OMIM 608864.
Van der Woude syndrome. Identifiers: Orphanet 888, MedGen C0175697, MONDO:0019508.

Submission:

Labcorp Genetics (formerly Invitae), Labcorp
Classification: Pathogenic for Orofacial cleft 6, susceptibility to; Van der Woude syndrome; Popliteal pterygium syndrome. Last evaluated: 2024-10-21. Review status: criteria provided, single submitter. Criteria: Invitae Variant Classification Sherloc (09022015). Collection method: clinical testing. Allele origin: germline.
Comment: This sequence change replaces isoleucine, which is neutral and non-polar, with serine, which is neutral and polar, at codon 423 of the IRF6 protein (p.Ile423Ser). This variant is not present in population databases (gnomAD no frequency). This missense change has been observed in individual(s) with clinical features of IRF6-related conditions (internal data). In at least one individual the variant was observed to be de novo. ClinVar contains an entry for this variant (Variation ID: 464462). Invitae Evidence Modeling of protein sequence and biophysical properties (such as structural, functional, and spatial information, amino acid conservation, physicochemical variation, residue mobility, and thermodynamic stability) indicates that this missense variant is expected to disrupt IRF6 protein function with a positive predictive value of 80%. For these reasons, this variant has been classified as Pathogenic.

NM_006147.4(IRF6):c.1268T>G (p.Ile423Ser)

Gene: IRF6 (interferon regulatory factor 6; minus strand). Cytogenetic location: 1q32.2.
Variant type: single nucleotide variant.
Coding change: c.1268T>G on transcript NM_006147.4 (MANE Select); coding-DNA position 1268, T replaced by G.
Protein change: p.Ile423Ser; replaces isoleucine 423 with serine.
Molecular consequence: missense variant.
Genome position (GRCh38, 1-based): chr1:209,788,556, A>C on the plus strand (T>G on the coding strand, the complement: IRF6 is on the minus strand). VCF-style: chr1-209788556-A-C. GRCh37 (hg19) VCF-style: chr1-209961901-A-C.
Other names: c.983T>G, p.Ile328Ser (NM_001206696.2); short protein forms I423S, I328S.
Identifiers: ClinVar variation 464462 (VCV000464462.10), dbSNP rs1553247592, ClinGen allele CA344573143.